The following is an entry in ClinVar:

NM_004448.4(ERBB2):c.3496A>G (p.Thr1166Ala)

Gene: ERBB2 (erb-b2 receptor tyrosine kinase 2; plus strand). Cytogenetic location: 17q12.
Variant type: single nucleotide variant.
Coding change: c.3496A>G on transcript NM_004448.4 (MANE Select); coding-DNA position 3496, A replaced by G.
Protein change: p.Thr1166Ala; replaces threonine 1166 with alanine.
Molecular consequence: missense variant. On other transcripts: 3 prime UTR variant (2), non-coding transcript variant (1).
Genome position (GRCh38, 1-based): chr17:39,727,772, A>G. VCF-style: chr17-39727772-A-G. GRCh37 (hg19) VCF-style: chr17-37884025-A-G.
Other names: c.3526A>G, p.Thr1176Ala (NM_001382788.1); c.3517A>G, p.Thr1173Ala (NM_001382789.1); c.3493A>G, p.Thr1165Ala (NM_001382790.1); c.3487A>G, p.Thr1163Ala (NM_001382791.1); c.3460A>G, p.Thr1154Ala (NM_001382792.1); c.3454A>G, p.Thr1152Ala (NM_001382793.1, NM_001382794.1); c.3292A>G, p.Thr1098Ala (NM_001382801.1); c.3238A>G, p.Thr1080Ala (NM_001382802.1); and 17 more; short protein forms T1104A, T1136A, T1152A, T1166A, T1200A, T820A, T849A, T1114A.
Identifiers: ClinVar variation 2167872 (VCV002167872.5), dbSNP rs866086063, ClinGen allele CA290443856.

ClinVar aggregate classification (germline): Uncertain significance. Review status: criteria provided, multiple submitters, no conflicts (2 of 4 stars). 2 submissions from 2 submitters: Uncertain significance (2). Last evaluated 2024-01-23.

Allele frequency attached by ClinVar (database versions not stated): gnomAD exomes below 0.00001; gnomAD 0.00001.
gnomAD v4.1: 9 of 1,608,598 alleles (0.00056%); highest among the groups gnomAD compares: African/African-American, 0.0067%; no homozygotes.

Submissions (2):

Ambry Genetics
Classification: Uncertain significance. Last evaluated: 2024-01-23. Review status: criteria provided, single submitter. Criteria: Ambry Variant Classification Scheme 2023. Collection method: clinical testing. Allele origin: germline.

Labcorp Genetics (formerly Invitae), Labcorp
Classification: Uncertain significance. Last evaluated: 2022-07-06. Review status: criteria provided, single submitter. Criteria: Invitae Variant Classification Sherloc (09022015). Collection method: clinical testing. Allele origin: germline.
Comment: This variant has not been reported in the literature in individuals affected with ERBB2-related conditions. Algorithms developed to predict the effect of missense changes on protein structure and function (SIFT, PolyPhen-2, Align-GVGD) all suggest that this variant is likely to be tolerated. In summary, the available evidence is currently insufficient to determine the role of this variant in disease. Therefore, it has been classified as a Variant of Uncertain Significance. This sequence change replaces threonine, which is neutral and polar, with alanine, which is neutral and non-polar, at codon 1166 of the ERBB2 protein (p.Thr1166Ala). This variant is not present in population databases (gnomAD no frequency).